The following is an entry in ClinVar:

NM_000038.6(APC):c.4805C>A (p.Pro1602His)

Gene: APC (APC regulator of Wnt signaling pathway; plus strand). Cytogenetic location: 5q22.2.
Variant type: single nucleotide variant.
Coding change: c.4805C>A on transcript NM_000038.6 (MANE Select); coding-DNA position 4805, C replaced by A.
Protein change: p.Pro1602His; replaces proline 1602 with histidine.
Molecular consequence: missense variant.
Genome position (GRCh38, 1-based): chr5:112,840,399, C>A. VCF-style: chr5-112840399-C-A. GRCh37 (hg19) VCF-style: chr5-112176096-C-A.
Other names: c.4805C>A, p.Pro1602His (NM_001127510.3, NM_001354895.2); c.4751C>A, p.Pro1584His (NM_001127511.3); c.4859C>A, p.Pro1620His (NM_001354896.2); c.4835C>A, p.Pro1612His (NM_001354897.2); c.4730C>A, p.Pro1577His (NM_001354898.2); c.4721C>A, p.Pro1574His (NM_001354899.2); c.4682C>A, p.Pro1561His (NM_001354900.2); c.4628C>A, p.Pro1543His (NM_001354901.2); and 6 more; short protein forms P1511H, P1319H, P1543H, P1584H, P1602H, P1476H, P1612H, P1620H.
Identifiers: ClinVar variation 802144 (VCV000802144.6), dbSNP rs1580652844, ClinGen allele CA16031862.

ClinVar aggregate classification (germline): Uncertain significance. Review status: criteria provided, multiple submitters, no conflicts (2 of 4 stars). 4 submissions from 4 submitters: Uncertain significance (4). Last evaluated 2025-02-20.

Conditions:
Hereditary cancer-predisposing syndrome. Also called: Tumor predisposition; Neoplastic Syndromes, Hereditary; Hereditary Cancer Syndrome; Hereditary neoplastic syndrome. Identifiers: Orphanet 140162, MedGen C0027672, MeSH D009386, MONDO:0015356.
Familial adenomatous polyposis 1 (FAP1). Also called: POLYPOSIS, ADENOMATOUS INTESTINAL; FAMILIAL ADENOMATOUS POLYPOSIS 1, ATTENUATED. Identifiers: MedGen C2713442, MONDO:0021056, OMIM 175100. Disease mechanism: loss of function.
Classic or attenuated familial adenomatous polyposis. Identifiers: MedGen CN372698, MONDO:0021057.

Allele frequency attached by ClinVar (database versions not stated): gnomAD exomes 0.00001.
gnomAD v4.1: 6 of 1,614,216 alleles (0.00037%); highest among the groups gnomAD compares: East Asian, 0.013%; no homozygotes.

Submissions (4):

Ambry Genetics
Classification: Uncertain significance for Hereditary cancer-predisposing syndrome. Last evaluated: 2025-02-20. Review status: criteria provided, single submitter. Criteria: Ambry Variant Classification Scheme 2023. Collection method: clinical testing. Allele origin: germline.
Comment: The p.P1602H variant (also known as c.4805C>A), located in coding exon 15 of the APC gene, results from a C to A substitution at nucleotide position 4805. The proline at codon 1602 is replaced by histidine, an amino acid with similar properties. This amino acid position is well conserved in available vertebrate species. In addition, in silico predictors for this gene do not accurately predict pathogenicity. Missense alterations in APC are not a common cause of disease (Spier I et al. Genet Med. 2024 Feb;26(2):100992). Based on the available evidence, the clinical significance of this variant remains unclear.

Labcorp Genetics (formerly Invitae), Labcorp
Classification: Uncertain significance for Familial adenomatous polyposis 1. Last evaluated: 2025-01-15. Review status: criteria provided, single submitter. Criteria: Invitae Variant Classification Sherloc (09022015). Collection method: clinical testing. Allele origin: germline.
Comment: This sequence change replaces proline, which is neutral and non-polar, with histidine, which is basic and polar, at codon 1602 of the APC protein (p.Pro1602His). This variant is not present in population databases (gnomAD no frequency). This variant has not been reported in the literature in individuals affected with APC-related conditions. ClinVar contains an entry for this variant (Variation ID: 802144). Invitae Evidence Modeling of protein sequence and biophysical properties (such as structural, functional, and spatial information, amino acid conservation, physicochemical variation, residue mobility, and thermodynamic stability) indicates that this missense variant is not expected to disrupt APC protein function with a negative predictive value of 95%. In summary, the available evidence is currently insufficient to determine the role of this variant in disease. Therefore, it has been classified as a Variant of Uncertain Significance.

All of Us Research Program, National Institutes of Health
Classification: Uncertain significance for Classic or attenuated familial adenomatous polyposis. Last evaluated: 2023-07-10. Review status: criteria provided, single submitter. Criteria: ACMG Guidelines, 2015. Collection method: clinical testing. Allele origin: germline. Inheritance: Autosomal dominant inheritance. Observed: 1 variant allele, 1 heterozygote.
Comment: This missense variant replaces proline with histidine at codon 1602 of the APC protein. Computational prediction suggests that this variant may not impact protein structure and function (internally defined REVEL score threshold <= 0.5, PMID: 27666373). To our knowledge, functional studies have not been reported for this variant. This variant has not been reported in individuals affected with APC-related disorders in the literature. This variant has not been identified in the general population by the Genome Aggregation Database (gnomAD). The available evidence is insufficient to determine the role of this variant in disease conclusively. Therefore, this variant is classified as a Variant of Uncertain Significance.

This study involves interpretation of variants in research participants for the purpose of population health screening. Participant phenotype was not available at the time of variant classification. Additional details can be found in publication PMID: 35346344, PMCID: PMC8962531

Mendelics
Classification: Uncertain significance for Familial adenomatous polyposis 1. Last evaluated: 2019-05-28. Review status: criteria provided, single submitter. Criteria: Mendelics Assertion Criteria 2017. Collection method: clinical testing. Allele origin: unknown.